The following is an entry in ClinVar:

NM_153717.3(EVC):c.1750del (p.Gln584fs)

Gene: EVC (EvC ciliary complex subunit 1; plus strand). Cytogenetic location: 4p16.2.
Variant type: Deletion.
Coding change: c.1750del on transcript NM_153717.3 (MANE Select); coding-DNA position 1750, one base deleted (C; older notation c.1750delC).
Protein change: p.Gln584fs; shifts the reading frame from glutamine 584.
Molecular consequence: frameshift variant.
Genome position (GRCh38, 1-based): chr4:5,783,738, C deleted; the last of 2 consecutive C bases (chr4:5,783,737-5,783,738); deleting either gives the same sequence. VCF-style (leftmost placement, unchanged base first): chr4-5783736-TC-T. GRCh37 (hg19) VCF-style: chr4-5785463-TC-T.
Other names: c.1750del, p.Gln584fs (NM_001306090.2); c.1750delC (NM_153717.3, NM_153717.2); short protein forms Q584fs.
Identifiers: ClinVar variation 1210401 (VCV001210401.12), dbSNP rs1736000365, ClinGen allele CA2499217304.

ClinVar aggregate classification (germline): Pathogenic/Likely pathogenic. Review status: criteria provided, multiple submitters, no conflicts (2 of 4 stars). 4 submissions from 4 submitters: Pathogenic (2); Likely pathogenic (2). Last evaluated 2025-12-31.

Conditions:
Curry-Hall syndrome (WAD). Also called: WEYERS ACRODENTAL DYSOSTOSIS. Identifiers: Orphanet 952, MedGen C0457013, MONDO:0008673, OMIM 193530.
Ellis-van Creveld syndrome (EVC). Also called: MESOECTODERMAL DYSPLASIA; Chondroectodermal dysplasia. Identifiers: Orphanet 289, MedGen C0013903, MONDO:0009162, OMIM 225500.

Submissions (4):

Labcorp Genetics (formerly Invitae), Labcorp
Classification: Pathogenic for Curry-Hall syndrome; Ellis-van Creveld syndrome. Last evaluated: 2025-12-31. Review status: criteria provided, single submitter. Criteria: Invitae Variant Classification Sherloc (09022015). Collection method: clinical testing. Allele origin: germline.
Comment: This sequence change creates a premature translational stop signal (p.Gln584Argfs*4) in the EVC gene. It is expected to result in an absent or disrupted protein product. Loss-of-function variants in EVC are known to be pathogenic (PMID: 23220543). This variant is not present in population databases (gnomAD no frequency). This variant has not been reported in the literature in individuals affected with EVC-related conditions. ClinVar contains an entry for this variant (Variation ID: 1210401). For these reasons, this variant has been classified as Pathogenic.

Natera, Inc.
Classification: Likely pathogenic for Ellis-van Creveld syndrome. Last evaluated: 2024-03-18. Review status: criteria provided, single submitter. Criteria: Natera Variant Classification Schema (03/2026). Collection method: clinical testing. Allele origin: germline.
Comment: The c.1750delC variant in EVC is a frameshift variant predicted to shift the reading frame beginning at codon 584 and leads to a stop codon 4 codons downstream. This variant is expected to result in nonsense mediated decay, truncation, or a dysfunctional protein product. This variant is rare in the general population with a frequency below the threshold expected for the associated phenotype(s). Given the available evidence, this variant is classified as Likely Pathogenic.

Genome-Nilou Lab
Classification: Likely pathogenic for Ellis-van Creveld syndrome. Last evaluated: 2021-07-22. Review status: criteria provided, single submitter. Criteria: ACMG Guidelines, 2015. Collection method: clinical testing. Allele origin: germline. Affected: no.

Kariminejad - Najmabadi Pathology & Genetics Center
Classification: Pathogenic for Ellis-van Creveld syndrome. Review status: criteria provided, single submitter. Criteria: ACMG Guidelines, 2015. Collection method: clinical testing. Allele origin: germline. Affected: no.

Literature cited by the submitters: PubMed 23220543 (cited by Labcorp Genetics (formerly Invitae), Labcorp).